The following is an entry in ClinVar:

ClinVar aggregate classification (germline): Uncertain significance. Review status: criteria provided, multiple submitters, no conflicts (2 of 4 stars). 2 submissions from 2 submitters: Uncertain significance (2). Last evaluated 2025-08-03.

Conditions:
Cardiovascular phenotype. Identifiers: MedGen CN230736.
Dilated cardiomyopathy 1JJ (CMD1JJ). Identifiers: Orphanet 154, MedGen C3808935, MONDO:0014095, OMIM 615235.

Submissions (2):

Labcorp Genetics (formerly Invitae), Labcorp
Classification: Uncertain significance for Dilated cardiomyopathy 1JJ. Last evaluated: 2025-08-03. Review status: criteria provided, single submitter. Criteria: Invitae Variant Classification Sherloc (09022015). Collection method: clinical testing. Allele origin: germline.
Comment: This sequence change replaces arginine, which is basic and polar, with leucine, which is neutral and non-polar, at codon 1228 of the LAMA4 protein (p.Arg1228Leu). The frequency data for this variant in the population databases is considered unreliable, as metrics indicate poor data quality at this position in the gnomAD database. This variant has not been reported in the literature in individuals affected with LAMA4-related conditions. ClinVar contains an entry for this variant (Variation ID: 3222044). Invitae Evidence Modeling of protein sequence and biophysical properties (such as structural, functional, and spatial information, amino acid conservation, physicochemical variation, residue mobility, and thermodynamic stability) indicates that this missense variant is expected to disrupt LAMA4 protein function with a positive predictive value of 80%. In summary, the available evidence is currently insufficient to determine the role of this variant in disease. Therefore, it has been classified as a Variant of Uncertain Significance.

Ambry Genetics
Classification: Uncertain significance for Cardiovascular phenotype. Last evaluated: 2023-11-18. Review status: criteria provided, single submitter. Criteria: Ambry Variant Classification Scheme 2023. Collection method: clinical testing. Allele origin: germline.
Comment: The p.R1228L variant (also known as c.3683G>T), located in coding exon 27 of the LAMA4 gene, results from a G to T substitution at nucleotide position 3683. The arginine at codon 1228 is replaced by leucine, an amino acid with dissimilar properties. This amino acid position is conserved. In addition, the in silico prediction for this alteration is inconclusive. Since supporting evidence is limited at this time, the clinical significance of this alteration remains unclear.

NM_001105206.3(LAMA4):c.3704G>T (p.Arg1235Leu)

Gene: LAMA4 (laminin subunit alpha 4; minus strand). Cytogenetic location: 6q21.
Variant type: single nucleotide variant.
Coding change: c.3704G>T on transcript NM_001105206.3 (MANE Select); coding-DNA position 3704, G replaced by T.
Protein change: p.Arg1235Leu; replaces arginine 1235 with leucine.
Molecular consequence: missense variant.
Genome position (GRCh38, 1-based): chr6:112,132,883, C>A on the plus strand (G>T on the coding strand, the complement: LAMA4 is on the minus strand). VCF-style: chr6-112132883-C-A. GRCh37 (hg19) VCF-style: chr6-112454085-C-A.
Other names: c.3683G>T, p.Arg1228Leu (NM_001105207.3, NM_002290.5); short protein forms R1228L, R1235L.
Identifiers: ClinVar variation 3222044 (VCV003222044.3), dbSNP rs559725422, ClinGen allele CA3965143.